The following is an entry in ClinVar:

NM_020829.4(RIC1):c.3424+70A>G

Gene: RIC1 (RIC1 homolog, RAB6A GEF complex partner 1; plus strand). Cytogenetic location: 9p24.1.
Variant type: single nucleotide variant.
Coding change: c.3424+70A>G on transcript NM_020829.4 (MANE Select); 70 bases into the intron after coding-DNA position 3424, A replaced by G.
Molecular consequence: intron variant. On other transcripts: missense variant (1).
Genome position (GRCh38, 1-based): chr9:5,769,326, A>G. VCF-style: chr9-5769326-A-G. GRCh37 (hg19) VCF-style: chr9-5769326-A-G.
Other names: c.3494A>G, p.Tyr1165Cys (NM_001135920.4); c.3313+70A>G (NM_001206557.2); short protein forms Y1165C.
Identifiers: ClinVar variation 3041454 (VCV003041454.2), dbSNP rs144924840, ClinGen allele CA4975173.

ClinVar aggregate classification (germline): Likely benign (0 of 4 stars; one submission).

Conditions:
RIC1-related disorder. Also called: RIC1-related condition.

Allele frequency attached by ClinVar (database versions not stated): 1000 Genomes Project 0.00020; gnomAD 0.00030; 1000 Genomes Project 30x 0.00031.
gnomAD v4.1: 548 of 1,613,778 alleles (0.034%); highest among the groups gnomAD compares: Middle Eastern, 0.4%; 4 homozygotes.

Submission:

PreventionGenetics, part of Exact Sciences
Classification: Likely benign for RIC1-related condition. Last evaluated: 2022-04-01. Review status: no assertion criteria provided. Collection method: clinical testing. Allele origin: germline.
Comment: This variant is classified as likely benign based on ACMG/AMP sequence variant interpretation guidelines (Richards et al. 2015 PMID: 25741868, with internal and published modifications).